The following is an entry in ClinVar:

NM_000540.3(RYR1):c.13388C>A (p.Ala4463Glu)

Gene: RYR1 (ryanodine receptor 1; plus strand). Cytogenetic location: 19q13.2.
Variant type: single nucleotide variant.
Coding change: c.13388C>A on transcript NM_000540.3 (MANE Select); coding-DNA position 13388, C replaced by A.
Protein change: p.Ala4463Glu; replaces alanine 4463 with glutamic acid.
Molecular consequence: missense variant.
Genome position (GRCh38, 1-based): chr19:38,565,722, C>A. VCF-style: chr19-38565722-C-A. GRCh37 (hg19) VCF-style: chr19-39056362-C-A.
Other names: c.13373C>A, p.Ala4458Glu (NM_001042723.2); short protein forms A4458E, A4463E.
Identifiers: ClinVar variation 3072776 (VCV003072776.1), dbSNP rs1350916629, ClinGen allele CA405675480.

ClinVar aggregate classification (germline): Uncertain significance (1 of 4 stars; one submission).

Conditions:
Malignant hyperthermia, susceptibility to, 1 (MHS1). Also called: Anesthesia related hyperthermia; Malignant hyperpyrexia; Fulminating hyperpyrexia; Pharmacogenic myopathy; RYR1-Related Malignant Hyperthermia Susceptibility; Malignant hyperthermia suceptibility 1. Identifiers: Orphanet 423, MedGen C2930980, MONDO:0007783, OMIM 145600.

gnomAD v4.1: 1 of 1,429,448 alleles (0.00007%); highest among the groups gnomAD compares: Non-Finnish European, 0.000091%; no homozygotes.

Submission:

All of Us Research Program, National Institutes of Health
Classification: Uncertain significance for Malignant hyperthermia, susceptibility to, 1. Last evaluated: 2023-08-15. Review status: criteria provided, single submitter. Criteria: ACMG Guidelines, 2015. Collection method: clinical testing. Allele origin: germline. Inheritance: Autosomal dominant inheritance. Observed: 1 variant allele, 1 heterozygote.
Comment: This missense variant replaces alanine with glutamic acid at codon 4463 of the RYR1 protein. Computational prediction suggests that this variant may not impact protein structure and function (internally defined REVEL score threshold <= 0.5, PMID: 27666373). To our knowledge, functional studies have not been reported for this variant. This variant has not been reported in individuals affected with RYR1-related disorders in the literature. This variant has not been identified in the general population by the Genome Aggregation Database (gnomAD). The available evidence is insufficient to determine the role of this variant in disease conclusively. Therefore, this variant is classified as a Variant of Uncertain Significance.

This study involves interpretation of variants in research participants for the purpose of population health screening. Participant phenotype was not available at the time of variant classification. Additional details can be found in publication PMID: 35346344, PMCID: PMC8962531